The following is an entry in ClinVar:

ClinVar aggregate classification (germline): Benign. Review status: criteria provided, multiple submitters, no conflicts (2 of 4 stars). 12 submissions from 12 submitters: Benign (9). 3 of the submissions do not count toward it. Last evaluated 2026-02-04.

Conditions:
Cardiovascular phenotype. Identifiers: MedGen CN230736.
Dilated cardiomyopathy 1W (CMD1W). Identifiers: Orphanet 154, MedGen C1969639, MONDO:0012667, OMIM 611407.

Allele frequency attached by ClinVar (database versions not stated): gnomAD exomes 0.00952 and 0.01931; ExAC 0.02362; gnomAD 0.06285 and 0.06736; 1000 Genomes Project 0.06949; TOPMed 0.07129; ESP Exome Variant Server 0.07297; 1000 Genomes Project 30x 0.07417.
gnomAD v4.1: 23,922 of 1,614,038 alleles (1.5%); highest among the groups gnomAD compares: African/African-American, 21%; 1,801 homozygotes.

Submissions (12):

Labcorp Genetics (formerly Invitae), Labcorp
Classification: Benign for Dilated cardiomyopathy 1W. Last evaluated: 2026-02-04. Review status: criteria provided, single submitter. Criteria: Invitae Variant Classification Sherloc (09022015). Collection method: clinical testing. Allele origin: germline.

Molecular Diagnostic Laboratory for Inherited Cardiovascular Disease, Montreal Heart Institute
Classification: Benign. Last evaluated: 2025-04-09. Review status: criteria provided, single submitter. Criteria: ACMG Guidelines, 2015. Collection method: clinical testing. Allele origin: germline. Affected: no.

Illumina Laboratory Services, Illumina
Classification: Benign for Dilated cardiomyopathy 1W. Last evaluated: 2018-01-12. Review status: criteria provided, single submitter. Criteria: ICSL Variant Classification Criteria 13 December 2019. Collection method: clinical testing. Allele origin: germline.
Comment: This variant was observed in the ICSL laboratory as part of a predisposition screen in an ostensibly healthy population. It had not been previously curated by ICSL or reported in the Human Gene Mutation Database (HGMD: prior to June 1st, 2018), and was therefore a candidate for classification through an automated scoring system. Utilizing variant allele frequency, disease prevalence and penetrance estimates, and inheritance mode, an automated score was calculated to assess if this variant is too frequent to cause the disease. Based on the score and internal cut-off values, a variant classified as benign is not then subjected to further curation. The score for this variant resulted in a classification of benign for this disease.

Ambry Genetics
Classification: Benign for Cardiovascular phenotype. Last evaluated: 2015-06-21. Review status: criteria provided, single submitter. Criteria: Ambry Variant Classification Scheme 2023. Collection method: clinical testing. Allele origin: germline.

Mayo Clinic Laboratories, Mayo Clinic
Classification: Benign. Last evaluated: 2014-03-07. Review status: criteria provided, single submitter. Criteria: ACMG Guidelines, 2015. Collection method: clinical testing. Allele origin: germline. Observed: 113 variant alleles.

GeneDx
Classification: Benign. Last evaluated: 2013-04-26. Review status: criteria provided, single submitter. Criteria: GeneDx Variant Classification (06012015). Collection method: clinical testing. Allele origin: germline. Affected: yes.
Comment: This variant is considered likely benign or benign based on one or more of the following criteria: it is a conservative change, it occurs at a poorly conserved position in the protein, it is predicted to be benign by multiple in silico algorithms, and/or has population frequency not consistent with disease.

Laboratory for Molecular Medicine, Mass General Brigham Personalized Medicine
Classification: Benign. Last evaluated: 2008-12-04. Review status: criteria provided, single submitter. Criteria: LMM Criteria. Collection method: clinical testing. Allele origin: germline. Observed: 151 variant alleles.

Breakthrough Genomics
Classification: Benign. Review status: criteria provided, single submitter. Criteria: ACMG Guidelines, 2015. Collection method: not provided. Allele origin: germline. Inheritance: Autosomal dominant inheritance. Affected: yes.

PreventionGenetics, part of Exact Sciences
Classification: Benign. Review status: criteria provided, single submitter. Criteria: ACMG Guidelines, 2015. Collection method: clinical testing. Allele origin: germline.

Clinical Genetics DNA and cytogenetics Diagnostics Lab, Erasmus MC, Erasmus Medical Center
Classification: Benign. Review status: no assertion criteria provided. Collection method: clinical testing. Allele origin: germline. Affected: yes. Study: VKGL Data-share Consensus. Not counted in ClinVar's aggregate classification.

Clinical Genetics, Academic Medical Center
Classification: Benign. Review status: no assertion criteria provided. Collection method: clinical testing. Allele origin: germline. Affected: yes. Study: VKGL Data-share Consensus. Not counted in ClinVar's aggregate classification.

Joint Genome Diagnostic Labs from Nijmegen and Maastricht, Radboudumc and MUMC+
Classification: Likely benign. Review status: no assertion criteria provided. Collection method: clinical testing. Allele origin: germline. Affected: yes. Study: VKGL Data-share Consensus. Not counted in ClinVar's aggregate classification.

NM_014000.3(VCL):c.1506G>A (p.Arg502=)

Gene: VCL (vinculin; plus strand). Cytogenetic location: 10q22.2.
Variant type: single nucleotide variant.
Coding change: c.1506G>A on transcript NM_014000.3 (MANE Select); coding-DNA position 1506, G replaced by A.
Protein change: p.Arg502=; no amino-acid change (arginine 502 retained).
Molecular consequence: synonymous variant.
Genome position (GRCh38, 1-based): chr10:74,094,424, G>A. VCF-style: chr10-74094424-G-A. GRCh37 (hg19) VCF-style: chr10-75854182-G-A.
Other names: p.R502R:CGG>CGA; p.Arg502=; c.1506G>A, p.Arg502= (NM_003373.4).
Identifiers: ClinVar variation 45580 (VCV000045580.31), dbSNP rs2228373, ClinGen allele CA136697.
Genomic context (GRCh38, chr10:74,094,424, plus strand): 5'-CAACAGCAGACCGGCCAAAGCAGCTGTACACCTTGAGGGCAAGATTGAGCAAGCACAGCG[G>A]TGGATTGATAATCCCACAGTGGATGACCGTGGAGTCGGTAAGGGCAGCAGTGCACTATAA-3'
Protein context (NP_054706.1, residues 492-512): HLEGKIEQAQ[Arg502=]WIDNPTVDDR